The following is an entry in ClinVar:

ClinVar aggregate classification (germline): Uncertain significance. Review status: criteria provided, multiple submitters, no conflicts (2 of 4 stars). 2 submissions from 2 submitters: Uncertain significance (2). Last evaluated 2022-06-14.

Allele frequency attached by ClinVar (database versions not stated): TOPMed below 0.00001; gnomAD exomes below 0.00001.
gnomAD v4.1: 1 of 1,613,736 alleles (0.000062%); highest among the groups gnomAD compares: Admixed American, 0.0017%; no homozygotes.

Submissions (2):

Labcorp Genetics (formerly Invitae), Labcorp
Classification: Uncertain significance. Last evaluated: 2022-06-14. Review status: criteria provided, single submitter. Criteria: Invitae Variant Classification Sherloc (09022015). Collection method: clinical testing. Allele origin: germline.
Comment: In summary, the available evidence is currently insufficient to determine the role of this variant in disease. Therefore, it has been classified as a Variant of Uncertain Significance. Algorithms developed to predict the effect of missense changes on protein structure and function are either unavailable or do not agree on the potential impact of this missense change (SIFT: "Deleterious"; PolyPhen-2: "Possibly Damaging"; Align-GVGD: "Class C15"). This variant has not been reported in the literature in individuals affected with CCDC141-related conditions. This variant is present in population databases (no rsID available, gnomAD 0.003%). This sequence change replaces aspartic acid, which is acidic and polar, with glycine, which is neutral and non-polar, at codon 767 of the CCDC141 protein (p.Asp767Gly).

Ambry Genetics
Classification: Uncertain significance. Last evaluated: 2022-01-07. Review status: criteria provided, single submitter. Criteria: Ambry Variant Classification Scheme 2023. Collection method: clinical testing. Allele origin: germline.

NM_173648.4(CCDC141):c.2300A>G (p.Asp767Gly)

Gene: CCDC141 (coiled-coil domain containing 141; minus strand). Cytogenetic location: 2q31.2.
Variant type: single nucleotide variant.
Coding change: c.2300A>G on transcript NM_173648.4 (MANE Select); coding-DNA position 2300, A replaced by G.
Protein change: p.Asp767Gly; replaces aspartic acid 767 with glycine.
Molecular consequence: missense variant.
Genome position (GRCh38, 1-based): chr2:178,869,211, T>C on the plus strand (A>G on the coding strand, the complement: CCDC141 is on the minus strand). VCF-style: chr2-178869211-T-C. GRCh37 (hg19) VCF-style: chr2-179733938-T-C.
Other names: short protein forms D767G.
Identifiers: ClinVar variation 2056271 (VCV002056271.5), dbSNP rs1026044483, ClinGen allele CA60994651.
Genomic context (GRCh38, chr2:178,869,211, plus strand): 5'-TACAGGATATCCTCGTAATCCTGGATTCTCTCTTTCTGTTTTTGATGGAAGTGAATAAGG[T>C]CCTTCAGTTGTTGAGACTTTTCTTTTACAGGGGCTCCTCTGCCAGTTAACTCCTCTGATT-3'
Protein context (NP_775919.3, residues 757-777): PVKEKSQQLK[Asp767Gly]LIHFHQKQKE